The following is an entry in ClinVar:

ClinVar aggregate classification (germline): Benign/Likely benign. Review status: criteria provided, multiple submitters, no conflicts (2 of 4 stars). 2 submissions from 2 submitters: Benign (1); Likely benign (1). Last evaluated 2026-04-16.

Conditions:
DICER1-related tumor predisposition. Also called: DICER1-related pleuropulmonary blastoma cancer predisposition syndrome; DICER1 syndrome. Identifiers: Orphanet 284343, MedGen C3839822, MONDO:0100216.

gnomAD v4.1: 3 of 1,614,214 alleles (0.00019%); highest among the groups gnomAD compares: Non-Finnish European, 0.00025%; no homozygotes.

Submissions (2):

Myriad Genetics, Inc.
Classification: Benign for DICER1-related tumor predisposition. Last evaluated: 2026-04-16. Review status: criteria provided, single submitter. Criteria: Myriad Autosomal Dominant, Autosomal Recessive and X-Linked Classification Criteria (2023). Collection method: clinical testing. Allele origin: unknown.
Comment: This variant is considered benign. This variant is a silent/synonymous amino acid change and it is not expected to impact splicing.

Labcorp Genetics (formerly Invitae), Labcorp
Classification: Likely benign for DICER1-related tumor predisposition. Last evaluated: 2025-09-06. Review status: criteria provided, single submitter. Criteria: Invitae Variant Classification Sherloc (09022015). Collection method: clinical testing. Allele origin: germline.

NM_177438.3(DICER1):c.2211A>G (p.Pro737=)

Gene: DICER1 (dicer 1, ribonuclease III; minus strand). Cytogenetic location: 14q32.13.
Variant type: single nucleotide variant.
Coding change: c.2211A>G on transcript NM_177438.3 (MANE Select); coding-DNA position 2211, A replaced by G.
Protein change: p.Pro737=; no amino-acid change (proline 737 retained).
Molecular consequence: synonymous variant. On other transcripts: non-coding transcript variant (6).
Genome position (GRCh38, 1-based): chr14:95,111,362, T>C on the plus strand (A>G on the coding strand, the complement: DICER1 is on the minus strand). VCF-style: chr14-95111362-T-C. GRCh37 (hg19) VCF-style: chr14-95577699-T-C.
Other names: c.2211A>G, p.Pro737= (NM_001195573.1, NM_001271282.3, NM_001291628.2 and 12 more transcripts); c.1929A>G, p.Pro643= (NM_001395686.1); c.1806A>G, p.Pro602= (NM_001395687.1, NM_001395688.1, NM_001395689.1 and 3 more transcripts); c.1644A>G, p.Pro548= (NM_001395691.1); c.528A>G, p.Pro176= (NM_001395697.1).
Identifiers: ClinVar variation 4759732 (VCV004759732.2).